The following is an entry in ClinVar:

ClinVar aggregate classification (germline): Conflicting classifications of pathogenicity. Review status: criteria provided, conflicting classifications (1 of 4 stars). 8 submissions from 7 submitters: Uncertain significance (1); Benign (3); Likely benign (4). Last evaluated 2026-02-02.

Conditions:
Bardet-Biedl syndrome (BBS). Identifiers: Orphanet 110, MedGen C0752166, MONDO:0015229.
Sarcotubular myopathy (LGMDR8). Also called: Limb-girdle muscular dystrophy, type 2H; Hutterite type of muscular dystrophy; Autosomal recessive limb-girdle muscular dystrophy type 2H; MUSCULAR DYSTROPHY, LIMB-GIRDLE, AUTOSOMAL RECESSIVE 8. Identifiers: Orphanet 1878, MedGen C0270968, MONDO:0009683, OMIM 254110.
Bardet-Biedl syndrome 11 (BBS11). Identifiers: Orphanet 110, MedGen C1859569, MONDO:0014439, OMIM 615988.

Allele frequency attached by ClinVar (database versions not stated): gnomAD 0.00017; TOPMed 0.00031; ExAC 0.00071; gnomAD exomes 0.00073; 1000 Genomes Project 30x 0.00219; 1000 Genomes Project 0.00260.
gnomAD v4.1: 591 of 1,613,806 alleles (0.037%); highest among the groups gnomAD compares: East Asian, 1.2%; 4 homozygotes.

Submissions (8):

Labcorp Genetics (formerly Invitae), Labcorp
Classification: Benign for Bardet-Biedl syndrome. Last evaluated: 2026-02-02. Review status: criteria provided, single submitter. Criteria: Invitae Variant Classification Sherloc (09022015). Collection method: clinical testing. Allele origin: germline.

Blueprint Genetics
Classification: Likely benign. Last evaluated: 2024-11-25. Review status: criteria provided, single submitter. Criteria: ACMG Guidelines, 2015. Collection method: clinical testing. Allele origin: germline.

Athena Diagnostics
Classification: Benign. Last evaluated: 2024-01-11. Review status: criteria provided, single submitter. Criteria: Athena Diagnostics Criteria. Collection method: clinical testing. Allele origin: unknown.

GeneDx
Classification: Likely benign. Last evaluated: 2020-09-21. Review status: criteria provided, single submitter. Criteria: GeneDx Variant Classification Process June 2021. Collection method: clinical testing. Allele origin: germline. Affected: yes.

Illumina Laboratory Services, Illumina
Classification: Uncertain significance for Sarcotubular myopathy. Last evaluated: 2018-01-13. Review status: criteria provided, single submitter. Criteria: ICSL Variant Classification Criteria 13 December 2019. Collection method: clinical testing. Allele origin: germline.

Illumina Laboratory Services, Illumina
Classification: Likely benign for Bardet-Biedl syndrome 11. Last evaluated: 2018-01-13. Review status: criteria provided, single submitter. Criteria: ICSL Variant Classification Criteria 13 December 2019. Collection method: clinical testing. Allele origin: germline.
Comment: This variant was observed in the ICSL laboratory as part of a predisposition screen in an ostensibly healthy population. It had not been previously curated by ICSL or reported in the Human Gene Mutation Database (HGMD: prior to June 1st, 2018), and was therefore a candidate for classification through an automated scoring system. Utilizing variant allele frequency, disease prevalence and penetrance estimates, and inheritance mode, an automated score was calculated to assess if this variant is too frequent to cause the disease. Based on the score and internal cut-off values, a variant classified as likely benign is not then subjected to further curation. The score for this variant resulted in a classification of likely benign for this disease.

Eurofins Ntd Llc (ga)
Classification: Benign. Last evaluated: 2017-01-31. Review status: criteria provided, single submitter. Criteria: EGL Classification Definitions 2015. Collection method: clinical testing. Allele origin: germline. Observed: 1 variant allele, 1 homozygote.

PreventionGenetics, part of Exact Sciences
Classification: Likely benign. Review status: criteria provided, single submitter. Criteria: ACMG Guidelines, 2015. Collection method: clinical testing. Allele origin: germline.

Literature cited by the submitters: PubMed 31146700 (cited by Athena Diagnostics); PubMed 33046855 (cited by Athena Diagnostics).

NM_012210.4(TRIM32):c.770C>G (p.Thr257Arg)

Genes: ASTN2 (astrotactin 2; minus strand), TRIM32 (tripartite motif containing 32; plus strand). Cytogenetic location: 9q33.1.
Variant type: single nucleotide variant.
Coding change: c.770C>G on transcript NM_012210.4 (MANE Select); coding-DNA position 770, C replaced by G.
Protein change: p.Thr257Arg; replaces threonine 257 with arginine.
Molecular consequence: missense variant. On other transcripts: intron variant (3).
Genome position (GRCh38, 1-based): chr9:116,698,512, C>G. VCF-style: chr9-116698512-C-G. GRCh37 (hg19) VCF-style: chr9-119460791-C-G.
Other names: c.770C>G, p.Thr257Arg (NM_001099679.2, NM_001379048.1, NM_001379049.1 and 1 more transcripts); c.2653+27259G>C (NM_014010.5); c.2794+27259G>C (NM_001365069.1); c.2806+27259G>C (NM_001365068.1); short protein forms T257R.
Identifiers: ClinVar variation 260216 (VCV000260216.25), dbSNP rs3747834, ClinGen allele CA5211042.